The following is an entry in ClinVar:

NM_001166108.2(PALLD):c.993A>G (p.Ile331Met)

Gene: PALLD (palladin, cytoskeletal associated protein; plus strand). Cytogenetic location: 4q32.3.
Variant type: single nucleotide variant.
Coding change: c.993A>G on transcript NM_001166108.2 (MANE Select); coding-DNA position 993, A replaced by G.
Protein change: p.Ile331Met; replaces isoleucine 331 with methionine.
Molecular consequence: missense variant. On other transcripts: 5 prime UTR variant (1).
Genome position (GRCh38, 1-based): chr4:168,668,274, A>G. VCF-style: chr4-168668274-A-G. GRCh37 (hg19) VCF-style: chr4-169589425-A-G.
Other names: c.-154A>G (NM_001166109.2); c.993A>G, p.Ile331Met (NM_016081.4); short protein forms I331M.
Identifiers: ClinVar variation 1768658 (VCV001768658.2), dbSNP rs761874862, ClinGen allele CA358793761.

ClinVar aggregate classification (germline): Uncertain significance (1 of 4 stars; one submission).

Submission:

Ambry Genetics
Classification: Uncertain significance. Last evaluated: 2022-07-18. Review status: criteria provided, single submitter. Criteria: Ambry Variant Classification Scheme 2023. Collection method: clinical testing. Allele origin: germline.
Comment: The p.I331M variant (also known as c.993A>G), located in coding exon 2 of the PALLD gene, results from an A to G substitution at nucleotide position 993. The isoleucine at codon 331 is replaced by methionine, an amino acid with highly similar properties. This amino acid position is conserved. In addition, this alteration is predicted to be deleterious by in silico analysis. Since supporting evidence is limited at this time, the clinical significance of this alteration remains unclear.